The following is an entry in ClinVar:

ClinVar aggregate classification (germline): Uncertain significance. Review status: criteria provided, multiple submitters, no conflicts (2 of 4 stars). 2 submissions from 2 submitters: Uncertain significance (2). Last evaluated 2022-03-14.

Conditions:
Multiple acyl-CoA dehydrogenase deficiency (MADD). Also called: Glutaric Acidemia type 2; ETHYLMALONIC-ADIPICACIDURIA; GA II; Glutaric aciduria, type 2; Glutaric acidemia type II; GA 2. Identifiers: Orphanet 26791, MedGen C0268596, MONDO:0009282, OMIM 231680.

Allele frequency attached by ClinVar (database versions not stated): TOPMed below 0.00001.
gnomAD v4.1: 3 of 1,605,062 alleles (0.00019%); highest among the groups gnomAD compares: Non-Finnish European, 0.00026%; no homozygotes.

Submissions (2):

Labcorp Genetics (formerly Invitae), Labcorp
Classification: Uncertain significance for Multiple acyl-CoA dehydrogenase deficiency. Last evaluated: 2022-03-14. Review status: criteria provided, single submitter. Criteria: Invitae Variant Classification Sherloc (09022015). Collection method: clinical testing. Allele origin: germline.
Comment: This sequence change replaces glutamine, which is neutral and polar, with histidine, which is basic and polar, at codon 14 of the ETFDH protein (p.Gln14His). This variant is not present in population databases (gnomAD no frequency). This variant has not been reported in the literature in individuals affected with ETFDH-related conditions. Advanced modeling of protein sequence and biophysical properties (such as structural, functional, and spatial information, amino acid conservation, physicochemical variation, residue mobility, and thermodynamic stability) performed at Invitae indicates that this missense variant is not expected to disrupt ETFDH protein function. In summary, the available evidence is currently insufficient to determine the role of this variant in disease. Therefore, it has been classified as a Variant of Uncertain Significance.

Blueprint Genetics
Classification: Uncertain significance. Last evaluated: 2021-03-29. Review status: criteria provided, single submitter. Criteria: ACMG Guidelines, 2015. Collection method: clinical testing. Allele origin: germline.

NM_004453.4(ETFDH):c.42G>C (p.Gln14His)

Gene: ETFDH (electron transfer flavoprotein dehydrogenase; plus strand). Cytogenetic location: 4q32.1.
Variant type: single nucleotide variant.
Coding change: c.42G>C on transcript NM_004453.4 (MANE Select); coding-DNA position 42, G replaced by C.
Protein change: p.Gln14His; replaces glutamine 14 with histidine.
Molecular consequence: missense variant. On other transcripts: intron variant (1).
Genome position (GRCh38, 1-based): chr4:158,680,474, G>C. VCF-style: chr4-158680474-G-C. GRCh37 (hg19) VCF-style: chr4-159601626-G-C.
Other names: c.35-1721G>C (NM_001281737.2); short protein forms Q14H.
Identifiers: ClinVar variation 1925573 (VCV001925573.3), dbSNP rs1773824132, ClinGen allele CA358573261.